The following is an entry in ClinVar:

NM_000138.5(FBN1):c.6160C>T (p.Gln2054Ter)

Gene: FBN1 (fibrillin 1; minus strand). Cytogenetic location: 15q21.1.
Variant type: single nucleotide variant.
Coding change: c.6160C>T on transcript NM_000138.5 (MANE Select); coding-DNA position 6160, C replaced by T.
Protein change: p.Gln2054Ter; replaces glutamine 2054 with a stop codon.
Molecular consequence: nonsense.
Genome position (GRCh38, 1-based): chr15:48,441,724, G>A on the plus strand (C>T on the coding strand, the complement: FBN1 is on the minus strand). VCF-style: chr15-48441724-G-A. GRCh37 (hg19) VCF-style: chr15-48733921-G-A.
Other names: short protein forms Q2054*.
Identifiers: ClinVar variation 549331 (VCV000549331.3), dbSNP rs1555395456, ClinGen allele CA392337890.

ClinVar aggregate classification (germline): Pathogenic. Review status: criteria provided, single submitter (1 of 4 stars). 2 submissions from 2 submitters: Pathogenic (1). 1 of the submissions does not count toward it. Last evaluated 2024-12-22.

Conditions:
Familial thoracic aortic aneurysm and aortic dissection (TAAD). Also called: Thoracic aortic aneurysms and dissections. Identifiers: Orphanet 91387, MedGen C4707243, MONDO:0019625.
Marfan syndrome (MFS). Also called: Marfan syndrome type 1; Marfan syndrome, classic; Marfan's syndrome; FBN1-Related Marfan Syndrome; MARFAN SYNDROME, TYPE I. Identifiers: Orphanet 284963, Orphanet 558, MedGen C0024796, MONDO:0007947, OMIM 154700.

Submissions (2):

Labcorp Genetics (formerly Invitae), Labcorp
Classification: Pathogenic for Marfan syndrome; Familial thoracic aortic aneurysm and aortic dissection. Last evaluated: 2024-12-22. Review status: criteria provided, single submitter. Criteria: Invitae Variant Classification Sherloc (09022015). Collection method: clinical testing. Allele origin: germline.
Comment: This sequence change creates a premature translational stop signal (p.Gln2054*) in the FBN1 gene. It is expected to result in an absent or disrupted protein product. Loss-of-function variants in FBN1 are known to be pathogenic (PMID: 17657824, 19293843). This variant is not present in population databases (gnomAD no frequency). This premature translational stop signal has been observed in individual(s) with clinical features of FBN1-related conditions (PMID: 11700157, 31730815). ClinVar contains an entry for this variant (Variation ID: 549331). For these reasons, this variant has been classified as Pathogenic.

Center for Medical Genetics Ghent, University of Ghent
Classification: Pathogenic for Marfan syndrome. Last evaluated: 2017-11-07. Review status: no assertion criteria provided. Collection method: clinical testing. Allele origin: germline. Affected: yes. Not counted in ClinVar's aggregate classification.

Literature cited by the submitters: PubMed 17657824 (cited by Labcorp Genetics (formerly Invitae), Labcorp); PubMed 19293843 (cited by Labcorp Genetics (formerly Invitae), Labcorp); PubMed 11700157 (cited by Labcorp Genetics (formerly Invitae), Labcorp); PubMed 31730815 (cited by Labcorp Genetics (formerly Invitae), Labcorp).